The following is an entry in ClinVar:

NM_033028.5(BBS4):c.787G>A (p.Ala263Thr)

Gene: BBS4 (Bardet-Biedl syndrome 4; plus strand). Cytogenetic location: 15q24.1.
Variant type: single nucleotide variant.
Coding change: c.787G>A on transcript NM_033028.5 (MANE Select); coding-DNA position 787, G replaced by A.
Protein change: p.Ala263Thr; replaces alanine 263 with threonine.
Molecular consequence: missense variant. On other transcripts: non-coding transcript variant (2).
Genome position (GRCh38, 1-based): chr15:72,731,380, G>A. VCF-style: chr15-72731380-G-A. GRCh37 (hg19) VCF-style: chr15-73023721-G-A.
Other names: c.271G>A, p.Ala91Thr (NM_001252678.2); c.718G>A, p.Ala240Thr (NM_001320665.2); short protein forms A240T, A263T, A91T.
Identifiers: ClinVar variation 3345714 (VCV003345714.1).

ClinVar aggregate classification (germline): Uncertain significance (0 of 4 stars; one submission).

Conditions:
BBS4-related disorder. Also called: BBS4-related condition.

Submission:

PreventionGenetics, part of Exact Sciences
Classification: Uncertain significance for BBS4-related condition. Last evaluated: 2024-08-08. Review status: no assertion criteria provided. Collection method: clinical testing. Allele origin: germline.
Comment: The BBS4 c.787G>A variant is predicted to result in the amino acid substitution p.Ala263Thr. To our knowledge, this variant has not been reported in the literature or in a large population database, indicating this variant is rare. At this time, the clinical significance of this variant is uncertain due to the absence of conclusive functional and genetic evidence.